The following is an entry in ClinVar:

NM_000342.4(SLC4A1):c.2171T>C (p.Leu724Pro)

Gene: SLC4A1 (solute carrier family 4 member 1 (Diego blood group); minus strand). Cytogenetic location: 17q21.31.
Variant type: single nucleotide variant.
Coding change: c.2171T>C on transcript NM_000342.4 (MANE Select); coding-DNA position 2171, T replaced by C.
Protein change: p.Leu724Pro; replaces leucine 724 with proline.
Molecular consequence: missense variant.
Genome position (GRCh38, 1-based): chr17:44,253,258, A>G on the plus strand (T>C on the coding strand, the complement: SLC4A1 is on the minus strand). VCF-style: chr17-44253258-A-G. GRCh37 (hg19) VCF-style: chr17-42330626-A-G.
Other names: short protein forms L724P.
Identifiers: ClinVar variation 4726695 (VCV004726695.1).
Genomic context (GRCh38, chr17:44,253,258, plus strand): 5'-GCTTTGCCCATGACAGTGAGGGCGTTGGCATGGGTGACGGAACGCACGGTGGTGGCACTG[A>G]GCCAGGGCATCCCAAAGAGGGCGGCCACCCCACCCATGCCTACTACCAGCAGCAGGTCCA-3'
Protein context (NP_000333.1, residues 714-734): GVAALFGMPW[Leu724Pro]SATTVRSVTH

ClinVar aggregate classification (germline): Uncertain significance (1 of 4 stars; one submission).

Submission:

Labcorp Genetics (formerly Invitae), Labcorp
Classification: Uncertain significance. Last evaluated: 2025-08-02. Review status: criteria provided, single submitter. Criteria: Invitae Variant Classification Sherloc (09022015). Collection method: clinical testing. Allele origin: germline.
Comment: This sequence change replaces leucine, which is neutral and non-polar, with proline, which is neutral and non-polar, at codon 724 of the SLC4A1 protein (p.Leu724Pro). This variant is not present in population databases (gnomAD no frequency). This variant has not been reported in the literature in individuals affected with SLC4A1-related conditions. Invitae Evidence Modeling of protein sequence and biophysical properties (such as structural, functional, and spatial information, amino acid conservation, physicochemical variation, residue mobility, and thermodynamic stability) indicates that this missense variant is expected to disrupt SLC4A1 protein function with a positive predictive value of 80%. In summary, the available evidence is currently insufficient to determine the role of this variant in disease. Therefore, it has been classified as a Variant of Uncertain Significance.